The following is an entry in ClinVar:

NM_000070.3(CAPN3):c.692T>C (p.Phe231Ser)

Gene: CAPN3 (calpain 3; plus strand). Cytogenetic location: 15q15.1.
Variant type: single nucleotide variant.
Coding change: c.692T>C on transcript NM_000070.3 (MANE Select); coding-DNA position 692, T replaced by C.
Protein change: p.Phe231Ser; replaces phenylalanine 231 with serine.
Molecular consequence: missense variant.
Genome position (GRCh38, 1-based): chr15:42,388,987, T>C. VCF-style: chr15-42388987-T-C. GRCh37 (hg19) VCF-style: chr15-42681185-T-C.
Other names: c.692T>C, p.Phe231Ser (NM_024344.2, NM_173087.2); short protein forms F231S.
Identifiers: ClinVar variation 1503640 (VCV001503640.9), dbSNP rs1054458336, ClinGen allele CA269834996.
Genomic context (GRCh38, chr15:42,388,987, plus strand): 5'-GGCTCCATGGTTCCTACGAAGCTCTGAAAGGTGGGAACACCACAGAGGCCATGGAGGACT[T>C]CACAGGAGGGGTGGCAGAGTTTTTTGAGATCAGGGATGCTCCTAGTGACATGTACAAGAT-3'
Protein context (NP_000061.1, residues 221-241): GGNTTEAMED[Phe231Ser]TGGVAEFFEI

ClinVar aggregate classification (germline): Uncertain significance (1 of 4 stars; one submission).

Conditions:
Autosomal recessive limb-girdle muscular dystrophy type 2A (LGMDR1). Also called: Limb-girdle muscular dystrophy, type 2A; Muscular dystrophy, limb-girdle, type 2A, Amish; Calpainopathy; LEYDEN-MOEBIUS MUSCULAR DYSTROPHY; MUSCULAR DYSTROPHY, PELVOFEMORAL. Identifiers: Orphanet 267, MedGen C1869123, MONDO:0009675, OMIM 253600. Disease mechanism: loss of function.

Allele frequency attached by ClinVar (database versions not stated): gnomAD exomes below 0.00001.

Submission:

Labcorp Genetics (formerly Invitae), Labcorp
Classification: Uncertain significance for Autosomal recessive limb-girdle muscular dystrophy type 2A. Last evaluated: 2022-08-25. Review status: criteria provided, single submitter. Criteria: Invitae Variant Classification Sherloc (09022015). Collection method: clinical testing. Allele origin: germline.
Comment: In summary, the available evidence is currently insufficient to determine the role of this variant in disease. Therefore, it has been classified as a Variant of Uncertain Significance. Algorithms developed to predict the effect of missense changes on protein structure and function are either unavailable or do not agree on the potential impact of this missense change (SIFT: "Deleterious"; PolyPhen-2: "Probably Damaging"; Align-GVGD: "Class C0"). ClinVar contains an entry for this variant (Variation ID: 1503640). This missense change has been observed in individual(s) with features of autosomal recessive limb-girdle muscular dystrophy (PMID: 31268554). This variant is not present in population databases (gnomAD no frequency). This sequence change replaces phenylalanine, which is neutral and non-polar, with serine, which is neutral and polar, at codon 231 of the CAPN3 protein (p.Phe231Ser).

Literature cited by the submitters: PubMed 31268554.